The following is an entry in ClinVar:

ClinVar aggregate classification (germline): Uncertain significance. Review status: criteria provided, multiple submitters, no conflicts (2 of 4 stars). 3 submissions from 3 submitters: Uncertain significance (3). Last evaluated 2024-11-11.

Conditions:
D-Glyceric aciduria. Also called: GLYCERATE KINASE DEFICIENCY; Deficiency of glycerate kinase. Identifiers: Orphanet 941, MedGen C0342765, MONDO:0009070, OMIM 220120.

Allele frequency attached by ClinVar (database versions not stated): gnomAD 0.00009; gnomAD exomes 0.00012 and 0.00031; TOPMed 0.00014; ExAC 0.00025.
gnomAD v4.1: 181 of 1,613,950 alleles (0.011%); highest among the groups gnomAD compares: Middle Eastern, 0.13%; no homozygotes.

Submissions (3):

Labcorp Genetics (formerly Invitae), Labcorp
Classification: Uncertain significance. Last evaluated: 2024-11-11. Review status: criteria provided, single submitter. Criteria: Invitae Variant Classification Sherloc (09022015). Collection method: clinical testing. Allele origin: germline.
Comment: This sequence change replaces proline, which is neutral and non-polar, with leucine, which is neutral and non-polar, at codon 438 of the GLYCTK protein (p.Pro438Leu). This variant is present in population databases (rs758823918, gnomAD 0.2%). This variant has not been reported in the literature in individuals affected with GLYCTK-related conditions. ClinVar contains an entry for this variant (Variation ID: 930335). Invitae Evidence Modeling of protein sequence and biophysical properties (such as structural, functional, and spatial information, amino acid conservation, physicochemical variation, residue mobility, and thermodynamic stability) indicates that this missense variant is not expected to disrupt GLYCTK protein function with a negative predictive value of 80%. In summary, the available evidence is currently insufficient to determine the role of this variant in disease. Therefore, it has been classified as a Variant of Uncertain Significance.

Blueprint Genetics
Classification: Uncertain significance. Last evaluated: 2024-04-22. Review status: criteria provided, single submitter. Criteria: ACMG Guidelines, 2015. Collection method: clinical testing. Allele origin: germline.

Centre for Mendelian Genomics, University Medical Centre Ljubljana
Classification: Uncertain significance for D-Glyceric aciduria. Last evaluated: 2016-01-01. Review status: criteria provided, single submitter. Criteria: ACMG Guidelines, 2015. Collection method: clinical testing. Allele origin: unknown. Affected: yes.
Comment: This variant was classified as: Uncertain significance. The following ACMG criteria were applied in classifying this variant: PM2.

NM_145262.4(GLYCTK):c.1313C>T (p.Pro438Leu)

Gene: GLYCTK (glycerate kinase; plus strand). Cytogenetic location: 3p21.2.
Variant type: single nucleotide variant.
Coding change: c.1313C>T on transcript NM_145262.4 (MANE Select); coding-DNA position 1313, C replaced by T.
Protein change: p.Pro438Leu; replaces proline 438 with leucine.
Molecular consequence: missense variant. On other transcripts: 3 prime UTR variant (1), non-coding transcript variant (2).
Genome position (GRCh38, 1-based): chr3:52,292,867, C>T. VCF-style: chr3-52292867-C-T. GRCh37 (hg19) VCF-style: chr3-52326883-C-T.
Other names: c.*432C>T (NM_001144951.2); short protein forms P438L.
Identifiers: ClinVar variation 930335 (VCV000930335.8), dbSNP rs758823918, ClinGen allele CA2432295.